The following is an entry in ClinVar:

NM_032119.4(ADGRV1):c.15787G>A (p.Gly5263Ser)

Gene: ADGRV1 (adhesion G protein-coupled receptor V1; plus strand). Cytogenetic location: 5q14.3.
Variant type: single nucleotide variant.
Coding change: c.15787G>A on transcript NM_032119.4 (MANE Select); coding-DNA position 15787, G replaced by A.
Protein change: p.Gly5263Ser; replaces glycine 5263 with serine.
Molecular consequence: missense variant. On other transcripts: non-coding transcript variant (1).
Genome position (GRCh38, 1-based): chr5:90,811,047, G>A. VCF-style: chr5-90811047-G-A. GRCh37 (hg19) VCF-style: chr5-90106864-G-A.
Other names: short protein forms G5263S.
Identifiers: ClinVar variation 4795735 (VCV004795735.1).
Genomic context (GRCh38, chr5:90,811,047, plus strand): 5'-GTTCTTATCCGAAGAACTGGTGGGTTTACTGGCAATGTCAGCATAACAGTTAAAACTTTC[G>A]GTGAAAGATGTGCTCAGATGGAACCAAATGCATTGCCCTTTCGTGGTATCTATGGGATTT-3'
Protein context (NP_115495.3, residues 5253-5273): GNVSITVKTF[Gly5263Ser]ERCAQMEPNA

ClinVar aggregate classification (germline): Uncertain significance (1 of 4 stars; one submission).

gnomAD v4.1: 17 of 1,613,862 alleles (0.0011%); highest among the groups gnomAD compares: South Asian, 0.0077%; no homozygotes.

Submission:

GeneDx
Classification: Uncertain significance. Last evaluated: 2025-08-14. Review status: criteria provided, single submitter. Criteria: GeneDx Variant Classification Process June 2021. Collection method: clinical testing. Allele origin: germline. Affected: yes.
Comment: Not observed at significant frequency in large population cohorts (gnomAD); In silico analysis supports that this missense variant has a deleterious effect on protein structure/function; Has not been previously published as pathogenic or benign to our knowledge